The following is an entry in ClinVar:

NM_006767.4(LZTR1):c.791+5G>A

Gene: LZTR1 (leucine zipper like post translational regulator 1; plus strand). Cytogenetic location: 22q11.21.
Variant type: single nucleotide variant.
Coding change: c.791+5G>A on transcript NM_006767.4 (MANE Select); 5 bases into the intron after coding-DNA position 791, G replaced by A.
Molecular consequence: intron variant.
Genome position (GRCh38, 1-based): chr22:20,990,530, G>A. VCF-style: chr22-20990530-G-A. GRCh37 (hg19) VCF-style: chr22-21344819-G-A.
Identifiers: ClinVar variation 1761190 (VCV001761190.9), dbSNP rs751224673, ClinGen allele CA10118616.

ClinVar aggregate classification (germline): Uncertain significance. Review status: criteria provided, multiple submitters, no conflicts (2 of 4 stars). 2 submissions from 2 submitters: Uncertain significance (2). Last evaluated 2025-05-07.

Conditions:
Hereditary cancer-predisposing syndrome. Also called: Neoplastic Syndromes, Hereditary; Tumor predisposition; Hereditary Cancer Syndrome; Hereditary neoplastic syndrome. Identifiers: Orphanet 140162, MedGen C0027672, MeSH D009386, MONDO:0015356.
Cardiovascular phenotype. Identifiers: MedGen CN230736.

Allele frequency attached by ClinVar (database versions not stated): ExAC 0.00001; gnomAD 0.00001.
gnomAD v4.1: 6 of 1,607,010 alleles (0.00037%); highest among the groups gnomAD compares: South Asian, 0.0011%; no homozygotes.

Submissions (2):

Ambry Genetics
Classification: Uncertain significance for Cardiovascular phenotype; Hereditary cancer-predisposing syndrome. Last evaluated: 2025-05-07. Review status: criteria provided, single submitter. Criteria: Ambry Variant Classification Scheme 2023. Collection method: clinical testing. Allele origin: germline.
Comment: The c.791+5G>A intronic variant results from a G to A substitution 5 nucleotides after coding exon 8 in the LZTR1 gene. This nucleotide position is highly conserved in available vertebrate species. In silico splice site analysis predicts that this alteration will weaken the native splice donor site; however, direct evidence is insufficient at this time (Ambry internal data). Since supporting evidence is limited at this time, the clinical significance of this alteration remains unclear.

Labcorp Genetics (formerly Invitae), Labcorp
Classification: Uncertain significance. Last evaluated: 2024-05-13. Review status: criteria provided, single submitter. Criteria: Invitae Variant Classification Sherloc (09022015). Collection method: clinical testing. Allele origin: germline.
Comment: This sequence change falls in intron 8 of the LZTR1 gene. It does not directly change the encoded amino acid sequence of the LZTR1 protein. It affects a nucleotide within the consensus splice site. This variant is present in population databases (rs751224673, gnomAD 0.0009%). This variant has not been reported in the literature in individuals affected with LZTR1-related conditions. ClinVar contains an entry for this variant (Variation ID: 1761190). Variants that disrupt the consensus splice site are a relatively common cause of aberrant splicing (PMID: 17576681, 9536098). Algorithms developed to predict the effect of sequence changes on RNA splicing suggest that this variant may disrupt the consensus splice site. In summary, the available evidence is currently insufficient to determine the role of this variant in disease. Therefore, it has been classified as a Variant of Uncertain Significance.

Literature cited by the submitters: PubMed 17576681 (cited by Labcorp Genetics (formerly Invitae), Labcorp); PubMed 9536098 (cited by Labcorp Genetics (formerly Invitae), Labcorp).